The following is an entry in ClinVar:

NM_016343.4(CENPF):c.152A>G (p.Gln51Arg)

Gene: CENPF (centromere protein F; plus strand). Cytogenetic location: 1q41.
Variant type: single nucleotide variant.
Coding change: c.152A>G on transcript NM_016343.4 (MANE Select); coding-DNA position 152, A replaced by G.
Protein change: p.Gln51Arg; replaces glutamine 51 with arginine.
Molecular consequence: missense variant.
Genome position (GRCh38, 1-based): chr1:214,613,906, A>G. VCF-style: chr1-214613906-A-G. GRCh37 (hg19) VCF-style: chr1-214787249-A-G.
Other names: short protein forms Q51R.
Identifiers: ClinVar variation 5000231 (VCV005000231.1).

ClinVar aggregate classification (germline): Uncertain significance (1 of 4 stars; one submission).

Conditions:
CENPF-related disorder. Also called: CENPF-related condition.

Submission:

PreventionGenetics, part of Exact Sciences
Classification: Uncertain significance for CENPF-related condition. Last evaluated: 2025-05-11. Review status: criteria provided, single submitter. Criteria: ACMG Guidelines, 2015. Collection method: clinical testing. Allele origin: germline.
Comment: The CENPF c.152A>G variant is predicted to result in the amino acid substitution p.Gln51Arg. To our knowledge, this variant has not been reported in the literature. This variant is reported in 0.0031% of alleles in individuals of Latino descent in gnomAD. At this time, the clinical significance of this variant is uncertain due to the absence of conclusive functional and genetic evidence.